The following is an entry in ClinVar:

ClinVar aggregate classification (germline): Uncertain significance (1 of 4 stars; one submission).

Submission:

Labcorp Genetics (formerly Invitae), Labcorp
Classification: Uncertain significance. Last evaluated: 2024-05-31. Review status: criteria provided, single submitter. Criteria: Invitae Variant Classification Sherloc (09022015). Collection method: clinical testing. Allele origin: germline.
Comment: This sequence change replaces glycine, which is neutral and non-polar, with glutamic acid, which is acidic and polar, at codon 196 of the C6 protein (p.Gly196Glu). This variant also falls at the last nucleotide of exon 5, which is part of the consensus splice site for this exon. This variant is present in population databases (rs747116629, gnomAD 0.0009%). This variant has not been reported in the literature in individuals affected with C6-related conditions. An algorithm developed to predict the effect of missense changes on protein structure and function (PolyPhen-2) suggests that this variant is likely to be disruptive. Variants that disrupt the consensus splice site are a relatively common cause of aberrant splicing (PMID: 17576681, 9536098). Algorithms developed to predict the effect of sequence changes on RNA splicing suggest that this variant may disrupt the consensus splice site. In summary, the available evidence is currently insufficient to determine the role of this variant in disease. Therefore, it has been classified as a Variant of Uncertain Significance.

Literature cited by the submitters: PubMed 17576681; PubMed 9536098.

NM_000065.5(C6):c.587G>A (p.Gly196Glu)

Gene: C6 (complement C6; minus strand). Cytogenetic location: 5p13.1.
Variant type: single nucleotide variant.
Coding change: c.587G>A on transcript NM_000065.5 (MANE Select); coding-DNA position 587, G replaced by A.
Protein change: p.Gly196Glu; replaces glycine 196 with glutamic acid.
Molecular consequence: missense variant.
Genome position (GRCh38, 1-based): chr5:41,195,792, C>T on the plus strand (G>A on the coding strand, the complement: C6 is on the minus strand). VCF-style: chr5-41195792-C-T. GRCh37 (hg19) VCF-style: chr5-41195894-C-T.
Other names: c.587G>A, p.Gly196Glu (NM_001115131.4); short protein forms G196E.
Identifiers: ClinVar variation 3620155 (VCV003620155.1).
Genomic context (GRCh38, chr5:41,195,792, plus strand): 5'-CCTCTGACTCATTTGTTCTGATACCTGTTCTCCCCAAGATGATAAAAAGATGTTACATAC[C>T]CATTGCCCATCAACTGTACACTAGGGATGGGATTATACTTCCGTGTGCATACTGCCTTTG-3'
Protein context (NP_000056.2, residues 186-206): PIPSVQLMGN[Gly196Glu]FHFLAGEPRG